The following is an entry in ClinVar:

NM_002291.3(LAMB1):c.4802A>G (p.Glu1601Gly)

Gene: LAMB1 (laminin subunit beta 1; minus strand). Cytogenetic location: 7q31.1.
Variant type: single nucleotide variant.
Coding change: c.4802A>G on transcript NM_002291.3 (MANE Select); coding-DNA position 4802, A replaced by G.
Protein change: p.Glu1601Gly; replaces glutamic acid 1601 with glycine.
Molecular consequence: missense variant.
Genome position (GRCh38, 1-based): chr7:107,929,149, T>C on the plus strand (A>G on the coding strand, the complement: LAMB1 is on the minus strand). VCF-style: chr7-107929149-T-C. GRCh37 (hg19) VCF-style: chr7-107569594-T-C.
Other names: short protein forms E1601G.
Identifiers: ClinVar variation 1801097 (VCV001801097.1), dbSNP rs2535624547, ClinGen allele CA368862007.

ClinVar aggregate classification (germline): Uncertain significance (1 of 4 stars; one submission).

Submission:

GeneDx
Classification: Uncertain significance. Last evaluated: 2022-05-23. Review status: criteria provided, single submitter. Criteria: GeneDx Variant Classification Process June 2021. Collection method: clinical testing. Allele origin: germline. Affected: yes.
Comment: Not observed at significant frequency in large population cohorts (gnomAD); In silico analysis supports that this missense variant has a deleterious effect on protein structure/function; Has not been previously published as pathogenic or benign to our knowledge; This variant is associated with the following publications: (PMID: 23472759)